The following is an entry in ClinVar:

NM_014271.4(IL1RAPL1):c.734T>G (p.Leu245Trp)

Gene: IL1RAPL1 (interleukin 1 receptor accessory protein like 1; plus strand). Cytogenetic location: Xp21.2.
Variant type: single nucleotide variant.
Coding change: c.734T>G on transcript NM_014271.4 (MANE Select); coding-DNA position 734, T replaced by G.
Protein change: p.Leu245Trp; replaces leucine 245 with tryptophan.
Molecular consequence: missense variant.
Genome position (GRCh38, 1-based): chrX:29,668,460, T>G. VCF-style: chrX-29668460-T-G. GRCh37 (hg19) VCF-style: chrX-29686577-T-G.
Other names: short protein forms L245W.
Identifiers: ClinVar variation 3371746 (VCV003371746.1).

ClinVar aggregate classification (germline): Uncertain significance (1 of 4 stars; one submission).

Submission:

GeneDx
Classification: Uncertain significance. Last evaluated: 2024-04-12. Review status: criteria provided, single submitter. Criteria: GeneDx Variant Classification Process June 2021. Collection method: clinical testing. Allele origin: germline. Affected: yes.
Comment: Not observed at significant frequency in large population cohorts (gnomAD); In silico analysis supports that this missense variant has a deleterious effect on protein structure/function; Has not been previously published as pathogenic or benign to our knowledge